The following is an entry in ClinVar:

NM_004304.5(ALK):c.3793G>C (p.Val1265Leu)

Gene: ALK (ALK receptor tyrosine kinase; minus strand). Cytogenetic location: 2p23.2.
Variant type: single nucleotide variant.
Coding change: c.3793G>C on transcript NM_004304.5 (MANE Select); coding-DNA position 3793, G replaced by C.
Protein change: p.Val1265Leu; replaces valine 1265 with leucine.
Molecular consequence: missense variant.
Genome position (GRCh38, 1-based): chr2:29,209,829, C>G on the plus strand (G>C on the coding strand, the complement: ALK is on the minus strand). VCF-style: chr2-29209829-C-G. GRCh37 (hg19) VCF-style: chr2-29432695-C-G.
Other names: c.3793G>C (NM_004304.4); c.589G>C, p.Val197Leu (NM_001353765.2); short protein forms V1265L, V197L.
Identifiers: ClinVar variation 2676078 (VCV002676078.2), dbSNP rs749074853, ClinGen allele CA346469683.
Genomic context (GRCh38, chr2:29,209,829, plus strand): 5'-AGGCAGTCTTTACTCACCTGTAGATGTCTCGGGCCATCCCGAAGTCTCCAATCTTGGCCA[C>G]TCTTCCAGGGCCTGGACAGGTCAAGAGGCAGTTTCTGGCAGCAATGTCTCTGGGAAGAAA-3'
Protein context (NP_004295.2, residues 1255-1275): CLLTCPGPGR[Val1265Leu]AKIGDFGMAR

ClinVar aggregate classification (germline): Uncertain significance. Review status: criteria provided, multiple submitters, no conflicts (2 of 4 stars). 2 submissions from 2 submitters: Uncertain significance (2). Last evaluated 2023-11-30.

Conditions:
Neuroblastoma, susceptibility to, 3. Also called: ALK-Related Neuroblastic Tumor Susceptibility. Identifiers: Orphanet 635, MedGen C2751681, MONDO:0013083, OMIM 613014.
Hereditary cancer-predisposing syndrome. Also called: Tumor predisposition; Neoplastic Syndromes, Hereditary; Hereditary Cancer Syndrome; Hereditary neoplastic syndrome. Identifiers: Orphanet 140162, MedGen C0027672, MeSH D009386, MONDO:0015356.

gnomAD v4.1: 1 of 1,614,198 alleles (0.000062%); no homozygotes.

Submissions (2):

Ambry Genetics
Classification: Uncertain significance for Hereditary cancer-predisposing syndrome. Last evaluated: 2023-11-30. Review status: criteria provided, single submitter. Criteria: Ambry Variant Classification Scheme 2023. Collection method: clinical testing. Allele origin: germline.
Comment: The p.V1265L variant (also known as c.3793G>C), located in coding exon 25 of the ALK gene, results from a G to C substitution at nucleotide position 3793. The valine at codon 1265 is replaced by leucine, an amino acid with highly similar properties. This amino acid position is highly conserved in available vertebrate species. In addition, this alteration is predicted to be tolerated by in silico analysis. Since supporting evidence is limited at this time, the clinical significance of this alteration remains unclear.

Baylor Genetics
Classification: Uncertain significance for Neuroblastoma, susceptibility to, 3. Last evaluated: 2023-08-01. Review status: criteria provided, single submitter. Criteria: ACMG Guidelines, 2015. Collection method: clinical testing. Allele origin: unknown.